The following is an entry in ClinVar:

NC_000019.9:g.(?_10904376)_(10941723_?)dup

Genes: DNM2 (dynamin 2; plus strand), MIR199A1 (microRNA 199a-1; minus strand). Cytogenetic location: 19p13.2.
Variant type: Duplication.
Identifiers: ClinVar variation 3248445 (VCV003248445.1).

ClinVar aggregate classification (germline): Uncertain significance (1 of 4 stars; one submission).

Conditions:
Charcot-Marie-Tooth disease dominant intermediate B (CMTDIB). Also called: Charcot-Marie-Tooth disease dominant intermediate 1; CMT DI1; Charcot-Marie-Tooth disease dominant intermediate I; CHARCOT-MARIE-TOOTH NEUROPATHY, DOMINANT INTERMEDIATE B. Identifiers: Orphanet 100044, Orphanet 228179, MedGen C1847902, MONDO:0011674, OMIM 606482.

Submission:

Labcorp Genetics (formerly Invitae), Labcorp
Classification: Uncertain significance for Charcot-Marie-Tooth disease dominant intermediate B. Last evaluated: 2023-10-03. Review status: criteria provided, single submitter. Criteria: Invitae Variant Classification Sherloc (09022015). Collection method: clinical testing. Allele origin: unknown.
Comment: This variant results in a copy number gain of the genomic region encompassing exon(s) 8-21 of the DNM2 gene. This region includes the termination codon of the gene. This copy number gain extends beyond the assayed region for this gene and therefore may encompass additional genes. As the precise location of this event is unknown, it may be in tandem or it may be located elsewhere in the genome. This variant has not been reported in the literature in individuals affected with DNM2-related conditions. In summary, the available evidence is currently insufficient to determine the role of this variant in disease. Therefore, it has been classified as a Variant of Uncertain Significance.